The following is an entry in ClinVar:

NM_004725.4(BUB3):c.136G>A (p.Ala46Thr)

Gene: BUB3 (BUB3 mitotic checkpoint protein; plus strand). Cytogenetic location: 10q26.13.
Variant type: single nucleotide variant.
Coding change: c.136G>A on transcript NM_004725.4 (MANE Select); coding-DNA position 136, G replaced by A.
Protein change: p.Ala46Thr; replaces alanine 46 with threonine.
Molecular consequence: missense variant.
Genome position (GRCh38, 1-based): chr10:123,155,053, G>A. VCF-style: chr10-123155053-G-A. GRCh37 (hg19) VCF-style: chr10-124914569-G-A.
Other names: c.136G>A, p.Ala46Thr (NM_001007793.3); short protein forms A46T.
Identifiers: ClinVar variation 3483284 (VCV003483284.1).

ClinVar aggregate classification (germline): Uncertain significance (1 of 4 stars; one submission).

gnomAD v4.1: 1 of 1,614,144 alleles (0.000062%); highest among the groups gnomAD compares: Non-Finnish European, 0.000085%; no homozygotes.

Submission:

Ambry Genetics
Classification: Uncertain significance. Last evaluated: 2024-08-19. Review status: criteria provided, single submitter. Criteria: Ambry Variant Classification Scheme 2023. Collection method: clinical testing. Allele origin: germline.
Comment: The p.A46T variant (also known as c.136G>A), located in coding exon 1 of the BUB3 gene, results from a G to A substitution at nucleotide position 136. The alanine at codon 46 is replaced by threonine, an amino acid with similar properties. This amino acid position is conserved. In addition, this alteration is predicted to be tolerated by in silico analysis. Based on the available evidence, the clinical significance of this variant remains unclear.